The following is an entry in ClinVar:

ClinVar aggregate classification (germline): Uncertain significance (1 of 4 stars; one submission).

Conditions:
Hereditary cancer-predisposing syndrome. Also called: Neoplastic Syndromes, Hereditary; Tumor predisposition; Hereditary neoplastic syndrome; Hereditary Cancer Syndrome. Identifiers: Orphanet 140162, MedGen C0027672, MeSH D009386, MONDO:0015356.

gnomAD v4.1: 2 of 1,612,786 alleles (0.00012%); highest among the groups gnomAD compares: Admixed American, 0.0017%; no homozygotes.

Submission:

Ambry Genetics
Classification: Uncertain significance for Hereditary cancer-predisposing syndrome. Last evaluated: 2026-08-31. Review status: criteria provided, single submitter. Criteria: Ambry Variant Classification Scheme 2023. Collection method: clinical testing. Allele origin: germline.
Comment: The p.V118M variant (also known as c.352G>A), located in coding exon 3 of the XRCC2 gene, results from a G to A substitution at nucleotide position 352. The valine at codon 118 is replaced by methionine, an amino acid with highly similar properties. This amino acid position is conserved. In addition, this alteration is predicted to be tolerated by in silico analysis. Based on the available evidence, the clinical significance of this variant remains unclear.

NM_005431.2(XRCC2):c.352G>A (p.Val118Met)

Gene: XRCC2 (X-ray repair cross complementing 2; minus strand). Cytogenetic location: 7q36.1.
Variant type: single nucleotide variant.
Coding change: c.352G>A on transcript NM_005431.2 (MANE Select); coding-DNA position 352, G replaced by A.
Protein change: p.Val118Met; replaces valine 118 with methionine.
Molecular consequence: missense variant.
Genome position (GRCh38, 1-based): chr7:152,649,133, C>T on the plus strand (G>A on the coding strand, the complement: XRCC2 is on the minus strand). VCF-style: chr7-152649133-C-T. GRCh37 (hg19) VCF-style: chr7-152346218-C-T.
Other names: short protein forms V118M.
Identifiers: ClinVar variation 5032093 (VCV005032093.1).
Genomic context (GRCh38, chr7:152,649,133, plus strand): 5'-AAAACATACTTTCTAGTGAGTAAAGTGTAAGAAGTAAGTGGGTGCTACTACTGCAGTACA[C>T]CAAAAAAAATCTTCCCAGGCAGTATTTGATTATTTCTTCAGAGCTTTGGGATAGTCTGTG-3'
Protein context (NP_005422.1, residues 108-128): IKYCLGRFFL[Val118Met]YCSSSTHLLL